The following is an entry in ClinVar:

NM_000359.3(TGM1):c.1159+1G>T

Gene: TGM1 (transglutaminase 1; minus strand). Cytogenetic location: 14q12.
Variant type: single nucleotide variant.
Coding change: c.1159+1G>T on transcript NM_000359.3 (MANE Select); the canonical splice donor site of the intron after coding-DNA position 1159, G replaced by T.
Molecular consequence: splice donor variant.
Genome position (GRCh38, 1-based): chr14:24,259,074, C>A on the plus strand (G>T on the coding strand, the complement: TGM1 is on the minus strand). VCF-style: chr14-24259074-C-A. GRCh37 (hg19) VCF-style: chr14-24728280-C-A.
Identifiers: ClinVar variation 552303 (VCV000552303.5), dbSNP rs1220151696, ClinGen allele CA389263270.
Genomic context (GRCh38, chr14:24,259,074, plus strand): 5'-CTGGCTTTCCTCCCTTCTCCCTGTAGGGCCCGGGCCACTCCTGTCCCAGTCCCTCCACTA[C>A]CTGTGGTGGTCACGCCAGCAAAGACCCAGCACTGGCCATAGGGGACGGAATATCCCGTGC-3'

ClinVar aggregate classification (germline): Pathogenic. Review status: criteria provided, multiple submitters, no conflicts (2 of 4 stars). 3 submissions from 3 submitters: Pathogenic (2). 1 of the submissions does not count toward it. Last evaluated 2025-02-21.

Conditions:
Autosomal recessive congenital ichthyosis 1 (LI1). Also called: ICHTHYOSIS CONGENITA; ICHTHYOSIS CONGENITA II; LAMELLAR EXFOLIATION OF NEWBORN; ICHTHYOSIS, CONGENITAL, AUTOSOMAL RECESSIVE 1, WITH BATHING SUIT DISTRIBUTION; ICHTHYOSIS, CONGENITAL, AUTOSOMAL RECESSIVE 1, WITH OR WITHOUT BATHING SUIT DISTRIBUTION; COLLODION FETUS. Identifiers: MedGen C4551630, MONDO:0009441, OMIM 242300.
TGM1-related disorder. Also called: TGM1-related condition.

Submissions (3):

Natera, Inc.
Classification: Pathogenic for Autosomal recessive congenital ichthyosis type 1. Last evaluated: 2025-02-21. Review status: criteria provided, single submitter. Criteria: Natera Variant Classification Schema (03/2026). Collection method: clinical testing. Allele origin: germline.
Comment: The c.1159+1G>T variant in TGM1 is a canonical splice donor site variant predicted to affect pre-mRNA splicing, which may result in an abnormal transcript and altered protein product. This variant is expected to result in nonsense mediated decay, truncation, or a dysfunctional protein product. This variant is rare in the general population with a frequency below the threshold expected for the associated phenotype(s). This variant has been observed in one or more individuals affected with the associated recessive disease, as either homozygous or compound heterozygous with a second variant (PMID: 37709012). Given the available evidence, this variant is classified as Pathogenic.

Blueprint Genetics
Classification: Pathogenic for TGM1-related disorders. Last evaluated: 2023-06-28. Review status: criteria provided, single submitter. Criteria: ACMG Guidelines, 2015. Collection method: clinical testing. Allele origin: germline. Affected: yes. Observed: 1 variant allele.

Counsyl
Classification: Likely pathogenic for Autosomal recessive congenital ichthyosis 1. Last evaluated: 2017-06-02. Review status: no assertion criteria provided. Collection method: clinical testing. Allele origin: unknown. Not counted in ClinVar's aggregate classification.

Literature cited by the submitters: PubMed 37709012 (cited by Natera, Inc.); PubMed 25525159 (cited by Counsyl); PubMed 19241467 (cited by Counsyl).